The following is an entry in ClinVar:

ClinVar aggregate classification (germline): Uncertain significance (1 of 4 stars; one submission).

Allele frequency attached by ClinVar (database versions not stated): gnomAD exomes below 0.00001; TOPMed below 0.00001; ExAC 0.00001.
gnomAD v4.1: 2 of 1,607,126 alleles (0.00012%); highest among the groups gnomAD compares: Admixed American, 0.0017%; no homozygotes.

Submission:

Labcorp Genetics (formerly Invitae), Labcorp
Classification: Uncertain significance. Last evaluated: 2021-08-27. Review status: criteria provided, single submitter. Criteria: Invitae Variant Classification Sherloc (09022015). Collection method: clinical testing. Allele origin: germline.
Comment: This sequence change replaces asparagine with serine at codon 103 of the SLC25A12 protein (p.Asn103Ser). The asparagine residue is moderately conserved and there is a small physicochemical difference between asparagine and serine. This variant is present in population databases (rs761996149, ExAC 0.009%). This variant has not been reported in the literature in individuals affected with SLC25A12-related conditions. Algorithms developed to predict the effect of missense changes on protein structure and function output the following: SIFT: "Tolerated"; PolyPhen-2: "Benign"; Align-GVGD: "Class C0". The serine amino acid residue is found in multiple mammalian species, which suggests that this missense change does not adversely affect protein function. In summary, the available evidence is currently insufficient to determine the role of this variant in disease. Therefore, it has been classified as a Variant of Uncertain Significance.

NM_003705.5(SLC25A12):c.308A>G (p.Asn103Ser)

Gene: SLC25A12 (solute carrier family 25 member 12; minus strand). Cytogenetic location: 2q31.1.
Variant type: single nucleotide variant.
Coding change: c.308A>G on transcript NM_003705.5 (MANE Select); coding-DNA position 308, A replaced by G.
Protein change: p.Asn103Ser; replaces asparagine 103 with serine.
Molecular consequence: missense variant.
Genome position (GRCh38, 1-based): chr2:171,855,851, T>C on the plus strand (A>G on the coding strand, the complement: SLC25A12 is on the minus strand). VCF-style: chr2-171855851-T-C. GRCh37 (hg19) VCF-style: chr2-172712361-T-C.
Other names: short protein forms N103S.
Identifiers: ClinVar variation 666105 (VCV000666105.6), dbSNP rs761996149, ClinGen allele CA1966427.
Genomic context (GRCh38, chr2:171,855,851, plus strand): 5'-CAGCATCATTAACTTATCACTTATAATCTTCTTTTTCCCTTACCAAATGTCACCTCTCCA[T>C]TTCCACTCTTGTCAAACAACTGGAAAGCCACTATGAACATGGAATCTGGAGCACATAAAA-3'
Protein context (NP_003696.2, residues 93-113): VAFQLFDKSG[Asn103Ser]GEVTFENVKE